The following is an entry in ClinVar:

ClinVar aggregate classification (germline): Uncertain significance (1 of 4 stars; one submission).

Conditions:
Hereditary cancer-predisposing syndrome. Also called: Neoplastic Syndromes, Hereditary; Tumor predisposition; Hereditary Cancer Syndrome; Hereditary neoplastic syndrome. Identifiers: Orphanet 140162, MedGen C0027672, MeSH D009386, MONDO:0015356.

Submission:

Ambry Genetics
Classification: Uncertain significance for Hereditary cancer-predisposing syndrome. Last evaluated: 2022-10-12. Review status: criteria provided, single submitter. Criteria: Ambry Variant Classification Scheme 2023. Collection method: clinical testing. Allele origin: germline.
Comment: The p.R530S variant (also known as c.1590A>T), located in coding exon 14 of the MRE11A gene, results from an A to T substitution at nucleotide position 1590. The arginine at codon 530 is replaced by serine, an amino acid with dissimilar properties. This amino acid position is conserved. In addition, the in silico prediction for this alteration is inconclusive. Since supporting evidence is limited at this time, the clinical significance of this alteration remains unclear.

NM_005591.4(MRE11):c.1590A>T (p.Arg530Ser)

Gene: MRE11 (MRE11 double strand break repair nuclease; minus strand). Cytogenetic location: 11q21.
Variant type: single nucleotide variant.
Coding change: c.1590A>T on transcript NM_005591.4 (MANE Select); coding-DNA position 1590, A replaced by T.
Protein change: p.Arg530Ser; replaces arginine 530 with serine.
Molecular consequence: missense variant.
Genome position (GRCh38, 1-based): chr11:94,447,412, T>A on the plus strand (A>T on the coding strand, the complement: MRE11 is on the minus strand). VCF-style: chr11-94447412-T-A. GRCh37 (hg19) VCF-style: chr11-94180578-T-A.
Other names: c.1590A>T, p.Arg530Ser (NM_001330347.2, NM_005590.4); short protein forms R530S.
Identifiers: ClinVar variation 1800052 (VCV001800052.2), dbSNP rs2496297426, ClinGen allele CA382368730.